The following is an entry in ClinVar:

ClinVar aggregate classification (germline): Pathogenic (1 of 4 stars; one submission).

Submission:

GeneDx
Classification: Pathogenic. Last evaluated: 2017-09-08. Review status: criteria provided, single submitter. Criteria: GeneDx Variant Classification (06012015). Collection method: clinical testing. Allele origin: germline. Affected: yes.
Comment: The c.2727_2731delTGTTA variant in the OPA1 gene has not been reported previously as a pathogenic variant nor as a benign variant, to our knowledge. This variant causes a frameshift starting with codon Asparagine 909, changes this amino acid to a Lysine residue, and creates a premature Stop codon at position 9 of the new reading frame, denoted p.Asn909LysfsX9. This variant is predicted to cause loss of normal protein function either through protein truncation or nonsense-mediated mRNA decay. The c.2727_2731delTGTTA variant is not observed in large population cohorts (Lek et al., 2016; 1000 Genomes Consortium et al., 2015; Exome Variant Server). We interpret c.2727_2731delTGTTA as a pathogenic variant.

NM_130837.3(OPA1):c.2892_2896del (p.Asn964fs)

Gene: OPA1 (OPA1 mitochondrial dynamin like GTPase; plus strand). Cytogenetic location: 3q29.
Variant type: Deletion.
Coding change: c.2892_2896del on transcript NM_130837.3 (MANE Select); coding-DNA positions 2892 to 2896, 5 bases deleted (TGTTA; older notation c.2892_2896delTGTTA).
Protein change: p.Asn964fs; shifts the reading frame from asparagine 964.
Molecular consequence: frameshift variant.
Genome position (GRCh38, 1-based): chr3:193,667,189-193,667,193, TGTTA deleted; deleting any 5 consecutive bases within chr3:193,667,188-193,667,193 gives the same sequence; the c. name uses the placement nearest the transcript's 3' end. VCF-style (leftmost placement, unchanged base first): chr3-193667187-AATGTT-A. GRCh37 (hg19) VCF-style: chr3-193384976-AATGTT-A.
Other names: c.2727_2731delTGTTA (NM_015560.2); c.2358_2362del, p.Asn786fs (NM_001354663.2); c.2355_2359del, p.Asn785fs (NM_001354664.2); c.2727_2731del, p.Asn909fs (NM_015560.3); c.2619_2623del, p.Asn873fs (NM_130831.3); c.2673_2677del, p.Asn891fs (NM_130832.3); c.2730_2734del, p.Asn910fs (NM_130833.3); c.2781_2785del, p.Asn927fs (NM_130834.3); and 2 more; short protein forms N927fs, N964fs, N873fs, N909fs, N785fs, N891fs, N910fs, N946fs.
Identifiers: ClinVar variation 452004 (VCV000452004.2), dbSNP rs1553787992, ClinGen allele CA658657367.